The following is an entry in ClinVar:

NM_016580.4(PCDH12):c.669dup (p.Lys224fs)

Genes: PCDH12 (protocadherin 12; minus strand), RNF14 (ring finger protein 14; plus strand). Cytogenetic location: 5q31.3.
Variant type: Duplication.
Coding change: c.669dup on transcript NM_016580.4 (MANE Select); coding-DNA position 669, one base duplicated (C; older notation c.669dupC).
Protein change: p.Lys224fs; shifts the reading frame from lysine 224.
Molecular consequence: frameshift variant.
Genome position (GRCh38, 1-based): chr5:141,957,183, G duplicated on the plus strand (C on the coding strand, the reverse complement: PCDH12 is on the minus strand); the first of 7 consecutive G bases (chr5:141,957,183-141,957,189); duplicating any one gives the same sequence. VCF-style (leftmost placement, unchanged base first): chr5-141957182-T-TG. GRCh37 (hg19) VCF-style: chr5-141336747-T-TG.
Other names: c.669dupC (NM_016580.3); short protein forms K224fs.
Identifiers: ClinVar variation 817069 (VCV000817069.10), dbSNP rs776111123, ClinGen allele CA3484520.

ClinVar aggregate classification (germline): Pathogenic/Likely pathogenic. Review status: criteria provided, multiple submitters, no conflicts (2 of 4 stars). 5 submissions from 5 submitters: Pathogenic (3); Likely pathogenic (2). Last evaluated 2025-12-13.

Conditions:
Diencephalic-mesencephalic junction dysplasia syndrome 1 (DMJDS1). Also called: Microcephaly with spastic quadriplegia. Identifiers: MedGen C4538630, MONDO:0009625, OMIM 251280.

Submissions (5):

GeneDx
Classification: Pathogenic. Last evaluated: 2025-12-13. Review status: criteria provided, single submitter. Criteria: GeneDx Variant Classification Process June 2021. Collection method: clinical testing. Allele origin: germline. Affected: yes.
Comment: Observed in homozygous state in patients with features consistent with PCDH12-related brain malformations spectrum disorder in published literature and referred for genetic testing at GeneDx and not observed in homozygous state in controls (PMID: 33527719); Frameshift variant predicted to result in protein truncation or nonsense mediated decay in a gene for which loss of function is a known mechanism of disease; This variant is associated with the following publications: (PMID: 33527719)

Labcorp Genetics (formerly Invitae), Labcorp
Classification: Pathogenic. Last evaluated: 2025-03-17. Review status: criteria provided, single submitter. Criteria: Invitae Variant Classification Sherloc (09022015). Collection method: clinical testing. Allele origin: germline.
Comment: This sequence change creates a premature translational stop signal (p.Lys224Glnfs*16) in the PCDH12 gene. It is expected to result in an absent or disrupted protein product. Loss-of-function variants in PCDH12 are known to be pathogenic (PMID: 27164683, 29556033). This variant is present in population databases (rs776111123, gnomAD 0.01%). This premature translational stop signal has been observed in individual(s) with clinical features of diencephalic-mesencephalic junction dysplasia (PMID: 33527719). ClinVar contains an entry for this variant (Variation ID: 817069). For these reasons, this variant has been classified as Pathogenic.

Fulgent Genetics
Classification: Pathogenic for Diencephalic-mesencephalic junction dysplasia syndrome 1. Last evaluated: 2024-01-23. Review status: criteria provided, single submitter. Criteria: ACMG Guidelines, 2015. Collection method: clinical testing. Allele origin: germline.

Greenwood Genetic Center Diagnostic Laboratories, Greenwood Genetic Center
Classification: Likely pathogenic for Diencephalic-mesencephalic junction dysplasia syndrome 1. Last evaluated: 2023-01-20. Review status: criteria provided, single submitter. Criteria: ACMG Guidelines, 2015. Collection method: clinical testing. Allele origin: germline. Affected: yes.
Comment: PVS1, PM2

Laboratorio de Genetica e Diagnostico Molecular, Hospital Israelita Albert Einstein
Classification: Likely pathogenic for Diencephalic-mesencephalic junction dysplasia syndrome 1. Last evaluated: 2022-07-25. Review status: criteria provided, single submitter. Criteria: ACMG Guidelines, 2015. Collection method: clinical testing. Allele origin: germline. Affected: yes. Observed: 1 variant allele.
Comment: ACMG classification criteria: PVS1 very strong, PM2 moderated

Literature cited by the submitters: PubMed 27164683 (cited by Labcorp Genetics (formerly Invitae), Labcorp); PubMed 29556033 (cited by Labcorp Genetics (formerly Invitae), Labcorp); PubMed 33527719 (cited by Labcorp Genetics (formerly Invitae), Labcorp).